The following is an entry in ClinVar:

NM_001369.3(DNAH5):c.2229T>C (p.Asp743=)

Genes: DNAH5 (dynein axonemal heavy chain 5; minus strand), DNAH5-AS1 (DNAH5 antisense RNA 1; plus strand). Cytogenetic location: 5p15.2.
Variant type: single nucleotide variant.
Coding change: c.2229T>C on transcript NM_001369.3 (MANE Select); coding-DNA position 2229, T replaced by C.
Protein change: p.Asp743=; no amino-acid change (aspartic acid 743 retained).
Molecular consequence: synonymous variant.
Genome position (GRCh38, 1-based): chr5:13,900,236, A>G on the plus strand (T>C on the coding strand, the complement: DNAH5 is on the minus strand). VCF-style: chr5-13900236-A-G. GRCh37 (hg19) VCF-style: chr5-13900345-A-G.
Other names: p.Asp743=.
Identifiers: ClinVar variation 178755 (VCV000178755.41), dbSNP rs1445823, ClinGen allele CA182945.
Genomic context (GRCh38, chr5:13,900,236, plus strand): 5'-GAATGGGGGGAAAAAATAAAAGTAGTATACCTTCATGTTACTGAAGTTCCTTTTGTATCT[A>G]TCTCGTTTCTGGAAGAGGGAAGTTGCCAGTGGAGAGACTTCCAGACCCATCTGGGCCATG-3'
Protein context (NP_001360.1, residues 733-753): PLATSLFQKR[Asp743=]RYKRNFSNMK

ClinVar aggregate classification (germline): Benign/Likely benign. Review status: criteria provided, multiple submitters, no conflicts (2 of 4 stars). 13 submissions from 13 submitters: Benign (9); Likely benign (1). 3 of the submissions do not count toward it. Last evaluated 2026-02-04.

Conditions:
Primary ciliary dyskinesia. Also called: Ciliary dyskinesia. Identifiers: Orphanet 244, MedGen C0008780, MONDO:0016575, HP:0012265.
Primary ciliary dyskinesia 3. Identifiers: Orphanet 244, MedGen C1837618, MONDO:0012085, OMIM 608644.

Allele frequency attached by ClinVar (database versions not stated): gnomAD exomes 0.46630 and 0.49996; ExAC 0.50153; ESP Exome Variant Server 0.52214; gnomAD 0.53068; TOPMed 0.53788; 1000 Genomes Project 30x 0.59806; 1000 Genomes Project 0.60124.
gnomAD v4.1: 762,775 of 1,613,110 alleles (47%); highest among the groups gnomAD compares: East Asian, 87%; 186,553 homozygotes.

Submissions (13):

Labcorp Genetics (formerly Invitae), Labcorp
Classification: Benign for Primary ciliary dyskinesia. Last evaluated: 2026-02-04. Review status: criteria provided, single submitter. Criteria: Invitae Variant Classification Sherloc (09022015). Collection method: clinical testing. Allele origin: germline.

Blueprint Genetics
Classification: Likely benign. Last evaluated: 2024-11-26. Review status: criteria provided, single submitter. Criteria: ACMG Guidelines, 2015. Collection method: clinical testing. Allele origin: germline.

Mayo Clinic Laboratories, Mayo Clinic
Classification: Benign. Last evaluated: 2022-04-26. Review status: criteria provided, single submitter. Criteria: ACMG Guidelines, 2015. Collection method: clinical testing. Allele origin: germline. Observed: 155 variant alleles.

Pars Genome Lab
Classification: Benign for Primary ciliary dyskinesia 3. Last evaluated: 2021-06-15. Review status: criteria provided, single submitter. Criteria: ACMG Guidelines, 2015. Collection method: clinical testing. Allele origin: germline. Affected: no.

GeneDx
Classification: Benign. Last evaluated: 2018-11-10. Review status: criteria provided, single submitter. Criteria: GeneDx Variant Classification Process June 2021. Collection method: clinical testing. Allele origin: germline. Affected: yes.

Illumina Laboratory Services, Illumina
Classification: Benign for Primary ciliary dyskinesia 3. Last evaluated: 2018-01-13. Review status: criteria provided, single submitter. Criteria: ICSL Variant Classification Criteria 13 December 2019. Collection method: clinical testing. Allele origin: germline.
Comment: This variant was observed in the ICSL laboratory as part of a predisposition screen in an ostensibly healthy population. It had not been previously curated by ICSL or reported in the Human Gene Mutation Database (HGMD: prior to June 1st, 2018), and was therefore a candidate for classification through an automated scoring system. Utilizing variant allele frequency, disease prevalence and penetrance estimates, and inheritance mode, an automated score was calculated to assess if this variant is too frequent to cause the disease. Based on the score and internal cut-off values, a variant classified as benign is not then subjected to further curation. The score for this variant resulted in a classification of benign for this disease.

Ambry Genetics
Classification: Benign for Primary ciliary dyskinesia. Last evaluated: 2014-11-26. Review status: criteria provided, single submitter. Criteria: Ambry Variant Classification Scheme 2023. Collection method: clinical testing. Allele origin: germline.

Laboratory for Molecular Medicine, Mass General Brigham Personalized Medicine
Classification: Benign. Last evaluated: 2013-02-21. Review status: criteria provided, single submitter. Criteria: LMM Criteria. Collection method: clinical testing. Allele origin: germline. Observed: 73 variant alleles.
Comment: Asp743Asp in exon 15 of DNAH5: This variant is not expected to have clinical sig nificance because it does not alter an amino acid residue and is not located wit hin the splice consensus sequence. It has been identified in 45.4% (3904/8600) o f European American chromosomes from a broad population by the NHLBI Exome Seque ncing Project (dbSNP rs1445823).

Breakthrough Genomics
Classification: Benign. Review status: criteria provided, single submitter. Criteria: ACMG Guidelines, 2015. Collection method: not provided. Allele origin: germline. Inheritance: Autosomal recessive inheritance. Affected: yes.

PreventionGenetics, part of Exact Sciences
Classification: Benign. Review status: criteria provided, single submitter. Criteria: ACMG Guidelines, 2015. Collection method: clinical testing. Allele origin: germline.

Natera, Inc.
Classification: Benign for Primary ciliary dyskinesia. Last evaluated: 2020-09-16. Review status: no assertion criteria provided. Collection method: clinical testing. Allele origin: germline. Not counted in ClinVar's aggregate classification.

Clinical Genetics DNA and cytogenetics Diagnostics Lab, Erasmus MC, Erasmus Medical Center
Classification: Benign. Review status: no assertion criteria provided. Collection method: clinical testing. Allele origin: germline. Affected: yes. Study: VKGL Data-share Consensus. Not counted in ClinVar's aggregate classification.

Diagnostic Laboratory, Department of Genetics, University Medical Center Groningen
Classification: Benign. Review status: no assertion criteria provided. Collection method: clinical testing. Allele origin: germline. Affected: yes. Study: VKGL Data-share Consensus. Not counted in ClinVar's aggregate classification.